The following is an entry in ClinVar:

ClinVar aggregate classification (germline): Uncertain significance (1 of 4 stars; one submission).

Conditions:
Hereditary cancer-predisposing syndrome. Also called: Neoplastic Syndromes, Hereditary; Tumor predisposition; Hereditary neoplastic syndrome; Hereditary Cancer Syndrome. Identifiers: Orphanet 140162, MedGen C0027672, MeSH D009386, MONDO:0015356.

Submission:

Ambry Genetics
Classification: Uncertain significance for Hereditary cancer-predisposing syndrome. Last evaluated: 2026-07-06. Review status: criteria provided, single submitter. Criteria: Ambry Variant Classification Scheme 2023. Collection method: clinical testing. Allele origin: germline.
Comment: The p.L884M variant (also known as c.2650C>A), located in coding exon 18 of the PDGFRA gene, results from a C to A substitution at nucleotide position 2650. The leucine at codon 884 is replaced by methionine, an amino acid with highly similar properties. This amino acid position is conserved. In addition, this alteration is predicted to be deleterious by in silico analysis. Based on the available evidence, the clinical significance of this variant remains unclear.

NM_006206.6(PDGFRA):c.2650C>A (p.Leu884Met)

Gene: PDGFRA (platelet derived growth factor receptor alpha; plus strand). Cytogenetic location: 4q12.
Variant type: single nucleotide variant.
Coding change: c.2650C>A on transcript NM_006206.6 (MANE Select); coding-DNA position 2650, C replaced by A.
Protein change: p.Leu884Met; replaces leucine 884 with methionine.
Molecular consequence: missense variant.
Genome position (GRCh38, 1-based): chr4:54,287,517, C>A. VCF-style: chr4-54287517-C-A. GRCh37 (hg19) VCF-style: chr4-55153684-C-A.
Other names: c.2725C>A, p.Leu909Met (NM_001347828.2); c.2650C>A, p.Leu884Met (NM_001347829.2); c.2689C>A, p.Leu897Met (NM_001347830.2); short protein forms L897M, L909M, L884M.
Identifiers: ClinVar variation 5026418 (VCV005026418.1).
Genomic context (GRCh38, chr4:54,287,517, plus strand): 5'-CCTGAGAGCATCTTTGACAACCTCTACACCACACTGAGTGATGTCTGGTCTTATGGCATT[C>A]TGCTCTGGGAGATCTTTTCCCTTGGTATGGGCCTGACATTGCTGCTTATTTGGGCTGTTC-3'
Protein context (NP_006197.1, residues 874-894): TLSDVWSYGI[Leu884Met]LWEIFSLGGT